The following is an entry in ClinVar:

NM_152564.5(VPS13B):c.1732del (p.Val578fs)

Gene: VPS13B (vacuolar protein sorting 13 homolog B; plus strand). Cytogenetic location: 8q22.2.
Variant type: Deletion.
Coding change: c.1732del on transcript NM_152564.5 (MANE Select); coding-DNA position 1732, one base deleted (G; older notation c.1732delG).
Protein change: p.Val578fs; shifts the reading frame from valine 578.
Molecular consequence: frameshift variant.
Genome position (GRCh38, 1-based): chr8:99,143,054, G deleted. VCF-style (leftmost placement, unchanged base first): chr8-99143053-TG-T. GRCh37 (hg19) VCF-style: chr8-100155281-TG-T.
Other names: c.1732del, p.Val578fs (NM_015243.3, NM_017890.5); short protein forms V578fs.
Identifiers: ClinVar variation 1420470 (VCV001420470.6), dbSNP rs2132581182, ClinGen allele CA2573143566.
Genomic context (GRCh38, chr8:99,143,053, plus strand): 5'-CTTTTCTTCAGGGAAAAGTGAAGATTTGGGAACAGTTCAGGAGAAGTCCACCAAAAGCCT[TG>T]TTATAGGTCCTCTTGATTTTCGTTTGGATAGCAGTGCGGTGCATAGGATTTTGAAAATGA-3'

ClinVar aggregate classification (germline): Pathogenic (1 of 4 stars; one submission).

Conditions:
Cohen syndrome (COH1). Also called: Cutis verticis gyrata, retinitis pigmentosa, and sensorineural deafness; PEPPER SYNDROME. Identifiers: Orphanet 193, MedGen C0265223, MONDO:0008999, OMIM 216550.

Submission:

Labcorp Genetics (formerly Invitae), Labcorp
Classification: Pathogenic for Cohen syndrome. Last evaluated: 2021-06-07. Review status: criteria provided, single submitter. Criteria: Invitae Variant Classification Sherloc (09022015). Collection method: clinical testing. Allele origin: germline.
Comment: This sequence change creates a premature translational stop signal (p.Val578Leufs*2) in the VPS13B gene. It is expected to result in an absent or disrupted protein product. Loss-of-function variants in VPS13B are known to be pathogenic (PMID: 15141358, 16648375, 20461111). This variant is not present in population databases (ExAC no frequency). This variant has not been reported in the literature in individuals with VPS13B-related conditions. For these reasons, this variant has been classified as Pathogenic.

Literature cited by the submitters: PubMed 15141358; PubMed 16648375; PubMed 20461111.